The following is an entry in ClinVar:

ClinVar aggregate classification (germline): Uncertain significance (1 of 4 stars; one submission).

Conditions:
Hypertrophic cardiomyopathy. Also called: HYPERTROPHIC MYOCARDIOPATHY. Identifiers: Orphanet 217569, MedGen C0007194, MeSH D002312, MONDO:0005045, HP:0001639.

gnomAD v4.1: 2 of 1,613,804 alleles (0.00012%); highest among the groups gnomAD compares: East Asian, 0.0022%; no homozygotes.

Submission:

Labcorp Genetics (formerly Invitae), Labcorp
Classification: Uncertain significance for Hypertrophic cardiomyopathy. Last evaluated: 2024-07-30. Review status: criteria provided, single submitter. Criteria: Invitae Variant Classification Sherloc (09022015). Collection method: clinical testing. Allele origin: germline.
Comment: This sequence change replaces glutamine, which is neutral and polar, with arginine, which is basic and polar, at codon 41 of the MYOM1 protein (p.Gln41Arg). This variant is present in population databases (no rsID available, gnomAD no frequency). This variant has not been reported in the literature in individuals affected with MYOM1-related conditions. An algorithm developed to predict the effect of missense changes on protein structure and function (PolyPhen-2) suggests that this variant is likely to be tolerated. In summary, the available evidence is currently insufficient to determine the role of this variant in disease. Therefore, it has been classified as a Variant of Uncertain Significance.

NM_003803.4(MYOM1):c.122A>G (p.Gln41Arg)

Gene: MYOM1 (myomesin 1; minus strand). Cytogenetic location: 18p11.31.
Variant type: single nucleotide variant.
Coding change: c.122A>G on transcript NM_003803.4 (MANE Select); coding-DNA position 122, A replaced by G.
Protein change: p.Gln41Arg; replaces glutamine 41 with arginine.
Molecular consequence: missense variant.
Genome position (GRCh38, 1-based): chr18:3,215,102, T>C on the plus strand (A>G on the coding strand, the complement: MYOM1 is on the minus strand). VCF-style: chr18-3215102-T-C. GRCh37 (hg19) VCF-style: chr18-3215100-T-C.
Other names: c.122A>G, p.Gln41Arg (NM_019856.2); short protein forms Q41R.
Identifiers: ClinVar variation 3652203 (VCV003652203.2).